The following is an entry in ClinVar:

ClinVar aggregate classification (germline): Uncertain significance (1 of 4 stars; one submission).

Conditions:
Mucopolysaccharidosis type 7 (MPS7). Also called: MPS VII; GUSB DEFICIENCY; SLY SYNDROME; BETA-GLUCURONIDASE DEFICIENCY. Identifiers: Orphanet 584, MedGen C0085132, MONDO:0009662, OMIM 253220.

Submission:

Labcorp Genetics (formerly Invitae), Labcorp
Classification: Uncertain significance for Mucopolysaccharidosis type 7. Last evaluated: 2022-06-22. Review status: criteria provided, single submitter. Criteria: Invitae Variant Classification Sherloc (09022015). Collection method: clinical testing. Allele origin: germline.
Comment: This variant is not present in population databases (gnomAD no frequency). This variant has not been reported in the literature in individuals affected with GUSB-related conditions. Algorithms developed to predict the effect of missense changes on protein structure and function output the following: SIFT: "Tolerated"; PolyPhen-2: "Benign"; Align-GVGD: "Class C0". The lysine amino acid residue is found in multiple mammalian species, which suggests that this missense change does not adversely affect protein function. In summary, the available evidence is currently insufficient to determine the role of this variant in disease. Therefore, it has been classified as a Variant of Uncertain Significance. This sequence change replaces asparagine, which is neutral and polar, with lysine, which is basic and polar, at codon 155 of the GUSB protein (p.Asn155Lys).

NM_000181.4(GUSB):c.465C>G (p.Asn155Lys)

Gene: GUSB (glucuronidase beta; minus strand). Cytogenetic location: 7q11.21.
Variant type: single nucleotide variant.
Coding change: c.465C>G on transcript NM_000181.4 (MANE Select); coding-DNA position 465, C replaced by G.
Protein change: p.Asn155Lys; replaces asparagine 155 with lysine.
Molecular consequence: missense variant. On other transcripts: non-coding transcript variant (1), intron variant (2).
Genome position (GRCh38, 1-based): chr7:65,979,843, G>C on the plus strand (C>G on the coding strand, the complement: GUSB is on the minus strand). VCF-style: chr7-65979843-G-C. GRCh37 (hg19) VCF-style: chr7-65444830-G-C.
Other names: c.465C>G, p.Asn155Lys (NM_001284290.2); c.67+381C>G (NM_001293105.2); c.12-302C>G (NM_001293104.2); short protein forms N155K.
Identifiers: ClinVar variation 2009220 (VCV002009220.4), dbSNP rs2484841523, ClinGen allele CA367650664.